The following is an entry in ClinVar:

NM_001146312.3(MYOCD):c.543C>T (p.Asp181=)

Gene: MYOCD (myocardin; plus strand). Cytogenetic location: 17p12.
Variant type: single nucleotide variant.
Coding change: c.543C>T on transcript NM_001146312.3 (MANE Select); coding-DNA position 543, C replaced by T.
Protein change: p.Asp181=; no amino-acid change (aspartic acid 181 retained).
Molecular consequence: synonymous variant.
Genome position (GRCh38, 1-based): chr17:12,736,288, C>T. VCF-style: chr17-12736288-C-T. GRCh37 (hg19) VCF-style: chr17-12639605-C-T.
Other names: c.306C>T, p.Asp102= (NM_001378306.1); c.543C>T, p.Asp181= (NM_153604.4).
Identifiers: ClinVar variation 100828 (VCV000100828.2), dbSNP rs368720240, ClinGen allele CA229079.

ClinVar aggregate classification (germline): Uncertain significance. Review status: no assertion criteria provided (0 of 4 stars). 2 submissions from 1 submitter: Uncertain significance (1). 1 of the submissions does not count toward it.

Allele frequency attached by ClinVar (database versions not stated): TOPMed 0.00002; ExAC 0.00008.

Submissions (2):

Richard Lifton Laboratory, Yale University School of Medicine
Classification: Uncertain significance. Review status: no assertion criteria provided. Collection method: not provided. Allele origin: somatic.
Comment: MYOCD:p.D181D
ClinVar note: Converted during submission from unknown to Uncertain significance.

Richard Lifton Laboratory, Yale University School of Medicine
Classification: Uncertain significance. Review status: flagged submission. Collection method: not provided. Allele origin: somatic. Not counted in ClinVar's aggregate classification.
ClinVar note: Converted during submission from unknown to Uncertain significance.
ClinVar note: Reason: This record appears to be redundant with a more recent record from the same submitter.
ClinVar note: Notes: SCV000120048 appears to be redundant with SCV000155151.